The following is an entry in ClinVar:

ClinVar aggregate classification (germline): Uncertain significance. Review status: criteria provided, multiple submitters, no conflicts (2 of 4 stars). 2 submissions from 2 submitters: Uncertain significance (2). Last evaluated 2025-05-19.

Conditions:
Noonan syndrome and Noonan-related syndrome. Identifiers: Orphanet 98733, MedGen C5681679, MONDO:0020297.
RASopathy. Also called: rasopathies; Noonan spectrum disorder. Identifiers: Orphanet 536391, MedGen C5555857, MONDO:0021060.

Allele frequency attached by ClinVar (database versions not stated): gnomAD exomes below 0.00001 and 0.00002; ExAC 0.00002.
gnomAD v4.1: 8 of 1,614,082 alleles (0.0005%); highest among the groups gnomAD compares: Non-Finnish European, 0.00059%; no homozygotes.

Submissions (2):

Labcorp Genetics (formerly Invitae), Labcorp
Classification: Uncertain significance for RASopathy. Last evaluated: 2025-05-19. Review status: criteria provided, single submitter. Criteria: Invitae Variant Classification Sherloc (09022015). Collection method: clinical testing. Allele origin: germline.
Comment: This sequence change replaces glycine, which is neutral and non-polar, with glutamic acid, which is acidic and polar, at codon 143 of the SHOC2 protein (p.Gly143Glu). This variant is present in population databases (rs750480407, gnomAD 0.004%). This variant has not been reported in the literature in individuals affected with SHOC2-related conditions. ClinVar contains an entry for this variant (Variation ID: 1053860). Invitae Evidence Modeling of protein sequence and biophysical properties (such as structural, functional, and spatial information, amino acid conservation, physicochemical variation, residue mobility, and thermodynamic stability) indicates that this missense variant is expected to disrupt SHOC2 protein function with a positive predictive value of 80%. In summary, the available evidence is currently insufficient to determine the role of this variant in disease. Therefore, it has been classified as a Variant of Uncertain Significance.

Genome Diagnostics Laboratory, The Hospital for Sick Children
Classification: Uncertain significance for Noonan syndrome and Noonan-related syndrome. Last evaluated: 2016-12-12. Review status: criteria provided, single submitter. Criteria: ACMG Guidelines, 2015. Collection method: clinical testing. Allele origin: germline.

NM_007373.4(SHOC2):c.428G>A (p.Gly143Glu)

Gene: SHOC2 (SHOC2 leucine rich repeat scaffold protein; plus strand). Cytogenetic location: 10q25.2.
Variant type: single nucleotide variant.
Coding change: c.428G>A on transcript NM_007373.4 (MANE Select); coding-DNA position 428, G replaced by A.
Protein change: p.Gly143Glu; replaces glycine 143 with glutamic acid.
Molecular consequence: missense variant.
Genome position (GRCh38, 1-based): chr10:110,964,786, G>A. VCF-style: chr10-110964786-G-A. GRCh37 (hg19) VCF-style: chr10-112724544-G-A.
Other names: c.428G>A, p.Gly143Glu (NM_001269039.3, NM_001324336.2, NM_001324337.2); short protein forms G143E.
Identifiers: ClinVar variation 1053860 (VCV001053860.12), dbSNP rs750480407, ClinGen allele CA5689589.